The following is an entry in ClinVar:

ClinVar aggregate classification (germline): Benign/Likely benign. Review status: criteria provided, multiple submitters, no conflicts (2 of 4 stars). 8 submissions from 8 submitters: Benign (2); Likely benign (3). 3 of the submissions do not count toward it. Last evaluated 2026-01-28.

Conditions:
Congenital stationary night blindness 1B. Also called: NIGHT BLINDNESS, CONGENITAL STATIONARY, COMPLETE, AUTOSOMAL RECESSIVE; Night blindness, congenital stationary (complete), 1B, autosomal recessive. Identifiers: Orphanet 215, MedGen C1850362, MONDO:0009758, OMIM 257270.
GRM6-related disorder. Also called: GRM6-related condition.

Allele frequency attached by ClinVar (database versions not stated): 1000 Genomes Project 30x 0.00094; 1000 Genomes Project 0.00120; ESP Exome Variant Server 0.00231; TOPMed 0.00247; gnomAD 0.00252 and 0.00277; ExAC 0.00305; gnomAD exomes 0.00308 and 0.00316.
gnomAD v4.1: 5,014 of 1,614,020 alleles (0.31%); highest among the groups gnomAD compares: Non-Finnish European, 0.34%; 8 homozygotes.

Submissions (8):

Labcorp Genetics (formerly Invitae), Labcorp
Classification: Benign. Last evaluated: 2026-01-28. Review status: criteria provided, single submitter. Criteria: Invitae Variant Classification Sherloc (09022015). Collection method: clinical testing. Allele origin: germline.

Blueprint Genetics
Classification: Likely benign. Last evaluated: 2024-11-26. Review status: criteria provided, single submitter. Criteria: ACMG Guidelines, 2015. Collection method: clinical testing. Allele origin: germline.

Clinical Genetics DNA and cytogenetics Diagnostics Lab, Erasmus MC, Erasmus Medical Center
Classification: Likely benign for Congenital stationary night blindness 1B. Last evaluated: 2017-06-28. Review status: criteria provided, single submitter. Criteria: ACGS Guidelines, 2013. Collection method: clinical testing. Allele origin: germline. Affected: yes. Study: VKGL Data-share Consensus.

Eurofins Ntd Llc (ga)
Classification: Benign. Last evaluated: 2013-10-02. Review status: criteria provided, single submitter. Criteria: EGL Classification Definitions 2015. Collection method: clinical testing. Allele origin: germline. Observed: 3 variant alleles, 3 heterozygotes.

Breakthrough Genomics
Classification: Likely benign. Review status: criteria provided, single submitter. Criteria: ACMG Guidelines, 2015. Collection method: not provided. Allele origin: germline. Inheritance: Autosomal recessive inheritance. Affected: yes.

PreventionGenetics, part of Exact Sciences
Classification: Benign for GRM6-related condition. Last evaluated: 2019-07-08. Review status: no assertion criteria provided. Collection method: clinical testing. Allele origin: germline. Not counted in ClinVar's aggregate classification.
Comment: This variant is classified as benign based on ACMG/AMP sequence variant interpretation guidelines (Richards et al. 2015 PMID: 25741868, with internal and published modifications).

Clinical Genetics, Academic Medical Center
Classification: Benign. Review status: no assertion criteria provided. Collection method: clinical testing. Allele origin: germline. Affected: yes. Study: VKGL Data-share Consensus. Not counted in ClinVar's aggregate classification.

Retina International
No classification provided. Review status: no classification provided. Collection method: not provided. Allele origin: not provided. Not counted in ClinVar's aggregate classification.

NM_000843.4(GRM6):c.1875C>T (p.Tyr625=)

Genes: GRM6 (glutamate metabotropic receptor 6; minus strand), ZNF454 (zinc finger protein 454; plus strand). Cytogenetic location: 5q35.3.
Variant type: single nucleotide variant.
Coding change: c.1875C>T on transcript NM_000843.4 (MANE Select); coding-DNA position 1875, C replaced by T.
Protein change: p.Tyr625=; no amino-acid change (tyrosine 625 retained).
Molecular consequence: synonymous variant.
Genome position (GRCh38, 1-based): chr5:178,986,379, G>A on the plus strand (C>T on the coding strand, the complement: GRM6 is on the minus strand). VCF-style: chr5-178986379-G-A. GRCh37 (hg19) VCF-style: chr5-178413380-G-A.
Identifiers: ClinVar variation 93439 (VCV000093439.22), dbSNP rs62638215, ClinGen allele CA146978.